The following is an entry in ClinVar:

NM_152443.3(RDH12):c.212G>A (p.Arg71Lys)

Genes: GPHN (gephyrin; plus strand), RDH12 (retinol dehydrogenase 12; plus strand). Cytogenetic location: 14q24.1.
Variant type: single nucleotide variant.
Coding change: c.212G>A on transcript NM_152443.3 (MANE Select); coding-DNA position 212, G replaced by A.
Protein change: p.Arg71Lys; replaces arginine 71 with lysine.
Molecular consequence: missense variant.
Genome position (GRCh38, 1-based): chr14:67,725,123, G>A. VCF-style: chr14-67725123-G-A. GRCh37 (hg19) VCF-style: chr14-68191840-G-A.
Other names: short protein forms R71K.
Identifiers: ClinVar variation 1989267 (VCV001989267.4), dbSNP rs138016352, ClinGen allele CA262808717.

ClinVar aggregate classification (germline): Uncertain significance (1 of 4 stars; one submission).

Conditions:
Leber congenital amaurosis 13 (LCA13). Identifiers: MedGen C2675186, MONDO:0012990, OMIM 612712.

Allele frequency attached by ClinVar (database versions not stated): gnomAD 0.00001; TOPMed 0.00003; ESP Exome Variant Server 0.00008.
gnomAD v4.1: 2 of 1,614,058 alleles (0.00012%); highest among the groups gnomAD compares: African/African-American, 0.0027%; no homozygotes.

Submission:

Labcorp Genetics (formerly Invitae), Labcorp
Classification: Uncertain significance for Leber congenital amaurosis 13. Last evaluated: 2024-01-19. Review status: criteria provided, single submitter. Criteria: Invitae Variant Classification Sherloc (09022015). Collection method: clinical testing. Allele origin: germline.
Comment: This sequence change replaces arginine, which is basic and polar, with lysine, which is basic and polar, at codon 71 of the RDH12 protein (p.Arg71Lys). This variant is not present in population databases (gnomAD no frequency). This variant has not been reported in the literature in individuals affected with RDH12-related conditions. ClinVar contains an entry for this variant (Variation ID: 1989267). Advanced modeling of protein sequence and biophysical properties (such as structural, functional, and spatial information, amino acid conservation, physicochemical variation, residue mobility, and thermodynamic stability) has been performed at Invitae for this missense variant, however the output from this modeling did not meet the statistical confidence thresholds required to predict the impact of this variant on RDH12 protein function. In summary, the available evidence is currently insufficient to determine the role of this variant in disease. Therefore, it has been classified as a Variant of Uncertain Significance.